The following is an entry in ClinVar:

NM_001031689.3(PLAA):c.16A>C (p.Thr6Pro)

Gene: PLAA (phospholipase A2 activating protein; minus strand). Cytogenetic location: 9p21.2.
Variant type: single nucleotide variant.
Coding change: c.16A>C on transcript NM_001031689.3 (MANE Select); coding-DNA position 16, A replaced by C.
Protein change: p.Thr6Pro; replaces threonine 6 with proline.
Molecular consequence: missense variant.
Genome position (GRCh38, 1-based): chr9:26,947,030, T>G on the plus strand (A>C on the coding strand, the complement: PLAA is on the minus strand). VCF-style: chr9-26947030-T-G. GRCh37 (hg19) VCF-style: chr9-26947028-T-G.
Other names: c.16A>C, p.Thr6Pro (NM_001321546.2); short protein forms T6P.
Identifiers: ClinVar variation 1408621 (VCV001408621.6), dbSNP rs1244523400, ClinGen allele CA373115333.

ClinVar aggregate classification (germline): Uncertain significance (1 of 4 stars; one submission).

Allele frequency attached by ClinVar (database versions not stated): gnomAD 0.00001.
gnomAD v4.1: 3 of 1,586,898 alleles (0.00019%); highest among the groups gnomAD compares: Non-Finnish European, 0.00026%; no homozygotes.

Submission:

Labcorp Genetics (formerly Invitae), Labcorp
Classification: Uncertain significance. Last evaluated: 2022-07-06. Review status: criteria provided, single submitter. Criteria: Invitae Variant Classification Sherloc (09022015). Collection method: clinical testing. Allele origin: germline.
Comment: In summary, the available evidence is currently insufficient to determine the role of this variant in disease. Therefore, it has been classified as a Variant of Uncertain Significance. Algorithms developed to predict the effect of missense changes on protein structure and function (SIFT, PolyPhen-2, Align-GVGD) all suggest that this variant is likely to be tolerated. ClinVar contains an entry for this variant (Variation ID: 1408621). This variant has not been reported in the literature in individuals affected with PLAA-related conditions. This variant is present in population databases (no rsID available, gnomAD 0.007%). This sequence change replaces threonine, which is neutral and polar, with proline, which is neutral and non-polar, at codon 6 of the PLAA protein (p.Thr6Pro).